The following is an entry in ClinVar:

NM_000512.5(GALNS):c.1560G>A (p.Trp520Ter)

Gene: GALNS (galactosamine (N-acetyl)-6-sulfatase; minus strand). Cytogenetic location: 16q24.3.
Variant type: single nucleotide variant.
Coding change: c.1560G>A on transcript NM_000512.5 (MANE Select); coding-DNA position 1560, G replaced by A.
Protein change: p.Trp520Ter; replaces tryptophan 520 with a stop codon.
Molecular consequence: nonsense.
Genome position (GRCh38, 1-based): chr16:88,814,448, C>T on the plus strand (G>A on the coding strand, the complement: GALNS is on the minus strand). VCF-style: chr16-88814448-C-T. GRCh37 (hg19) VCF-style: chr16-88880856-C-T.
Other names: c.1005G>A, p.Trp335Ter (NM_001323543.2); c.1578G>A, p.Trp526Ter (NM_001323544.2); short protein forms W335*, W520*, W526*.
Identifiers: ClinVar variation 1048360 (VCV001048360.3), dbSNP rs2142966686, ClinGen allele CA397092439.

ClinVar aggregate classification (germline): Uncertain significance (1 of 4 stars; one submission).

Conditions:
Mucopolysaccharidosis, MPS-IV-A (MPS4A). Also called: Mucopolysaccharidosis type IV A; Mucopolysaccharidosis Type IVA; Morquio syndrome A, mild; MORQUIO SYNDROME A; MPS IVA; mucopolysaccharidosis type 4A. Identifiers: Orphanet 309297, Orphanet 582, MedGen C0086651, MONDO:0009659, OMIM 253000.

Submission:

Laboratory of Diagnosis and Therapy of Lysosomal Disorders, University of Padova
Classification: Uncertain significance for Mucopolysaccharidosis, MPS-IV-A. Last evaluated: 2021-02-01. Review status: criteria provided, single submitter. Criteria: ACMG Guidelines, 2015. Collection method: curation. Allele origin: germline. Affected: yes.
Comment: Nonsense variant (PVS1_moderate); absent from gnomAD v2.1.1 (PM2_moderate)

Literature cited by the submitters: PubMed 24035930; PubMed 34387910.